The following is an entry in ClinVar:

ClinVar aggregate classification (germline): Uncertain significance. Review status: criteria provided, multiple submitters, no conflicts (2 of 4 stars). 2 submissions from 2 submitters: Uncertain significance (2). Last evaluated 2024-02-05.

Conditions:
Ehlers-Danlos syndrome, type 4 (EDSVASC). Also called: Ehlers-Danlos syndrome vascular type; Ehlers Danlos syndrome, ecchymotic type; Ehlers Danlos syndrome, arterial type; Ehlers Danlos syndrome, Sack-Barabas type; Ehlers-Danlos Syndrome Type IV. Identifiers: Orphanet 286, MedGen C0268338, MONDO:0017314, OMIM 130050.

gnomAD v4.1: 2 of 1,614,102 alleles (0.00012%); highest among the groups gnomAD compares: Non-Finnish European, 0.00017%; no homozygotes.

Submissions (2):

All of Us Research Program, National Institutes of Health
Classification: Uncertain significance for Ehlers-Danlos syndrome, type 4. Last evaluated: 2024-02-05. Review status: criteria provided, single submitter. Criteria: ACMG Guidelines, 2015. Collection method: clinical testing. Allele origin: germline. Inheritance: Autosomal dominant inheritance. Observed: 1 variant allele, 1 heterozygote.
Comment: This missense variant replaces valine with isoleucine at codon 1142 of the COL3A1 protein. Computational prediction suggests that this variant may not impact protein structure and function (internally defined REVEL score threshold <= 0.5, PMID: 27666373). To our knowledge, functional studies have not been reported for this variant. This variant has not been reported in individuals affected with COL3A1-related disorders in the literature. This variant has not been identified in the general population by the Genome Aggregation Database (gnomAD). The available evidence is insufficient to determine the role of this variant in disease conclusively. Therefore, this variant is classified as a Variant of Uncertain Significance.

This study involves interpretation of variants in research participants for the purpose of population health screening. Participant phenotype was not available at the time of variant classification. Additional details can be found in publication PMID: 35346344, PMCID: PMC8962531

GeneDx
Classification: Uncertain significance. Last evaluated: 2018-11-02. Review status: criteria provided, single submitter. Criteria: GeneDx Variant Classification Process June 2021. Collection method: clinical testing. Allele origin: germline. Affected: yes.
Comment: Not observed in large population cohorts (Lek et al., 2016).; In silico analysis, which includes protein predictors and evolutionary conservation, supports that this variant does not alter protein structure/function; The V1142I variant has not been published as pathogenic or been reported as benign to our knowledge.; The V1142I variant is not located in the triple helical region, where the majority of pathogenic missense variants occur (Stenson et al., 2014).

NM_000090.4(COL3A1):c.3424G>A (p.Val1142Ile)

Gene: COL3A1 (collagen type III alpha 1 chain; plus strand). Cytogenetic location: 2q32.2.
Variant type: single nucleotide variant.
Coding change: c.3424G>A on transcript NM_000090.4 (MANE Select); coding-DNA position 3424, G replaced by A.
Protein change: p.Val1142Ile; replaces valine 1142 with isoleucine.
Molecular consequence: missense variant.
Genome position (GRCh38, 1-based): chr2:189,008,041, G>A. VCF-style: chr2-189008041-G-A. GRCh37 (hg19) VCF-style: chr2-189872767-G-A.
Other names: short protein forms V1142I.
Identifiers: ClinVar variation 1304293 (VCV001304293.3), dbSNP rs2153503966, ClinGen allele CA349846309.